The following is an entry in ClinVar:

NM_052859.4(RFT1):c.1208+3G>A

Gene: RFT1 (RFT1 glycolipid translocator homolog; minus strand). Cytogenetic location: 3p21.1.
Variant type: single nucleotide variant.
Coding change: c.1208+3G>A on transcript NM_052859.4 (MANE Select); 3 bases into the intron after coding-DNA position 1208, G replaced by A.
Molecular consequence: intron variant.
Genome position (GRCh38, 1-based): chr3:53,099,378, C>T on the plus strand (G>A on the coding strand, the complement: RFT1 is on the minus strand). VCF-style: chr3-53099378-C-T. GRCh37 (hg19) VCF-style: chr3-53133394-C-T.
Identifiers: ClinVar variation 2037268 (VCV002037268.4), dbSNP rs1171773257, ClinGen allele CA542925572.
Genomic context (GRCh38, chr3:53,099,378, plus strand): 5'-TTGACAAGTTATTTCATTTTGGCTGAAGGCCATGATTAAAGGTGTACCTGCTAGGTTACC[C>T]ACCTGTCGACCTCCTCTTTGCTCATGGCAGCAAATGTGAAACACTCTGTCACTCCATTGA-3'

ClinVar aggregate classification (germline): Uncertain significance (1 of 4 stars; one submission).

Conditions:
RFT1-congenital disorder of glycosylation (CDG1N). Also called: Congenital disorder of glycosylation type In; RFT1-CDG; CDG In. Identifiers: Orphanet 244310, MedGen C2677590, MONDO:0012783, OMIM 612015.

Allele frequency attached by ClinVar (database versions not stated): TOPMed below 0.00001; gnomAD exomes 0.00005.
gnomAD v4.1: 66 of 1,611,904 alleles (0.0041%); highest among the groups gnomAD compares: Non-Finnish European, 0.0053%; no homozygotes.

Submission:

Labcorp Genetics (formerly Invitae), Labcorp
Classification: Uncertain significance for RFT1-congenital disorder of glycosylation. Last evaluated: 2022-02-23. Review status: criteria provided, single submitter. Criteria: Invitae Variant Classification Sherloc (09022015). Collection method: clinical testing. Allele origin: germline.
Comment: This sequence change falls in intron 11 of the RFT1 gene. It does not directly change the encoded amino acid sequence of the RFT1 protein. It affects a nucleotide within the consensus splice site. This variant is present in population databases (no rsID available, gnomAD 0.004%). This variant has not been reported in the literature in individuals affected with RFT1-related conditions. Variants that disrupt the consensus splice site are a relatively common cause of aberrant splicing (PMID: 17576681, 9536098). Algorithms developed to predict the effect of sequence changes on RNA splicing suggest that this variant is not likely to affect RNA splicing. In summary, the available evidence is currently insufficient to determine the role of this variant in disease. Therefore, it has been classified as a Variant of Uncertain Significance.

Literature cited by the submitters: PubMed 17576681; PubMed 9536098.